The following is an entry in ClinVar:

ClinVar aggregate classification (germline): Pathogenic/Likely pathogenic. Review status: criteria provided, multiple submitters, no conflicts (2 of 4 stars). 2 submissions from 2 submitters: Pathogenic (1); Likely pathogenic (1). Last evaluated 2025-03-30.

Conditions:
Pituitary adenoma 5, multiple types. Identifiers: MedGen C4539685, MONDO:0054601, OMIM 617540.

Submissions (2):

Labcorp Genetics (formerly Invitae), Labcorp
Classification: Pathogenic. Last evaluated: 2025-03-30. Review status: criteria provided, single submitter. Criteria: Invitae Variant Classification Sherloc (09022015). Collection method: clinical testing. Allele origin: germline.
Comment: This sequence change creates a premature translational stop signal (p.Tyr1621*) in the CDH23 gene. It is expected to result in an absent or disrupted protein product. Loss-of-function variants in CDH23 are known to be pathogenic (PMID: 11138009, 21940737). This variant is not present in population databases (gnomAD no frequency). This variant has not been reported in the literature in individuals affected with CDH23-related conditions. ClinVar contains an entry for this variant (Variation ID: 2680494). For these reasons, this variant has been classified as Pathogenic.

Baylor Genetics
Classification: Likely pathogenic for Pituitary adenoma 5, multiple types. Last evaluated: 2023-04-04. Review status: criteria provided, single submitter. Criteria: ACMG Guidelines, 2015. Collection method: clinical testing. Allele origin: unknown.

Literature cited by the submitters: PubMed 11138009 (cited by Labcorp Genetics (formerly Invitae), Labcorp); PubMed 21940737 (cited by Labcorp Genetics (formerly Invitae), Labcorp).

NM_022124.6(CDH23):c.4863C>G (p.Tyr1621Ter)

Gene: CDH23 (cadherin related 23; plus strand). Cytogenetic location: 10q22.1.
Variant type: single nucleotide variant.
Coding change: c.4863C>G on transcript NM_022124.6 (MANE Select); coding-DNA position 4863, C replaced by G.
Protein change: p.Tyr1621Ter; replaces tyrosine 1621 with a stop codon.
Molecular consequence: nonsense.
Genome position (GRCh38, 1-based): chr10:71,777,697, C>G. VCF-style: chr10-71777697-C-G. GRCh37 (hg19) VCF-style: chr10-73537454-C-G.
Other names: short protein forms Y1621*.
Identifiers: ClinVar variation 2680494 (VCV002680494.2), dbSNP rs374797859, ClinGen allele CA377139931.
Genomic context (GRCh38, chr10:71,777,697, plus strand): 5'-CTCTGGCCACCTGACCAAGGACGTGACCCACTCTTTTCCACAGGCCACCACGCACGTGTA[C>G]GTGACCATTGTGGATGAGAATGATAACGCGCCCATGTTCCAGCAGCCCCACTATGAGGTG-3'